The following is an entry in ClinVar:

NM_001122630.2(CDKN1C):c.466G>C (p.Ala156Pro)

Gene: CDKN1C (cyclin dependent kinase inhibitor 1C; minus strand). Cytogenetic location: 11p15.4.
Variant type: single nucleotide variant.
Coding change: c.466G>C on transcript NM_001122630.2 (MANE Select); coding-DNA position 466, G replaced by C.
Protein change: p.Ala156Pro; replaces alanine 156 with proline.
Molecular consequence: missense variant. On other transcripts: intron variant (1).
Genome position (GRCh38, 1-based): chr11:2,884,991, C>G on the plus strand (G>C on the coding strand, the complement: CDKN1C is on the minus strand). VCF-style: chr11-2884991-C-G. GRCh37 (hg19) VCF-style: chr11-2906221-C-G.
Other names: c.499G>C, p.Ala167Pro (NM_000076.2, NM_001362474.2); c.466G>C, p.Ala156Pro (NM_001122631.2); c.255+211G>C (NM_001362475.2); short protein forms A156P, A167P.
Identifiers: ClinVar variation 2828308 (VCV002828308.3), dbSNP rs1038604691, ClinGen allele CA216367317.

ClinVar aggregate classification (germline): Uncertain significance (1 of 4 stars; one submission).

Conditions:
Beckwith-Wiedemann syndrome (BWS). Also called: EMG SYNDROME; Exomphalos macroglossia gigantism syndrome. Identifiers: Orphanet 116, MedGen C0004903, MONDO:0007534, OMIM 130650.

Allele frequency attached by ClinVar (database versions not stated): TOPMed 0.00001.

Submission:

Labcorp Genetics (formerly Invitae), Labcorp
Classification: Uncertain significance for Beckwith-Wiedemann syndrome. Last evaluated: 2023-01-13. Review status: criteria provided, single submitter. Criteria: Invitae Variant Classification Sherloc (09022015). Collection method: clinical testing. Allele origin: germline.
Comment: In summary, the available evidence is currently insufficient to determine the role of this variant in disease. Therefore, it has been classified as a Variant of Uncertain Significance. Advanced modeling of protein sequence and biophysical properties (such as structural, functional, and spatial information, amino acid conservation, physicochemical variation, residue mobility, and thermodynamic stability) performed at Invitae indicates that this missense variant is not expected to disrupt CDKN1C protein function. This variant has not been reported in the literature in individuals affected with CDKN1C-related conditions. The frequency data for this variant in the population databases is considered unreliable, as metrics indicate insufficient coverage at this position in the gnomAD database. This sequence change replaces alanine, which is neutral and non-polar, with proline, which is neutral and non-polar, at codon 167 of the CDKN1C protein (p.Ala167Pro).